The following is an entry in ClinVar:

NM_004006.3(DMD):c.8233del (p.Ile2745fs)

Gene: DMD (dystrophin; minus strand). Cytogenetic location: Xp21.1.
Variant type: Deletion.
Coding change: c.8233del on transcript NM_004006.3 (MANE Select); coding-DNA position 8233, one base deleted (A; older notation c.8233delA).
Protein change: p.Ile2745fs; shifts the reading frame from isoleucine 2745.
Molecular consequence: frameshift variant.
Genome position (GRCh38, 1-based): chrX:31,507,438, T deleted on the plus strand (A on the coding strand, the reverse complement: DMD is on the minus strand); the first of 3 consecutive T bases (chrX:31,507,438-31,507,440); deleting any one gives the same sequence. VCF-style (leftmost placement, unchanged base first): chrX-31507437-AT-A. GRCh37 (hg19) VCF-style: chrX-31525554-AT-A.
Other names: c.8209del, p.Ile2737fs (NM_000109.4); c.8221del, p.Ile2741fs (NM_004009.3); c.7864del, p.Ile2622fs (NM_004010.3); c.4210del, p.Ile1404fs (NM_004011.4); c.4201del, p.Ile1401fs (NM_004012.4); c.853del, p.Ile285fs (NM_004013.3, NM_004020.4, NM_004021.3 and 2 more transcripts); c.46del, p.Ile16fs (NM_004014.3); short protein forms I2622fs, I285fs, I16fs, I2741fs, I2745fs, I1401fs, I1404fs, I2737fs.
Identifiers: ClinVar variation 4710671 (VCV004710671.1).
Genomic context (GRCh38, chrX:31,507,437, plus strand): 5'-GATCTCAGGATTTTTTGGCTGTTTTCATCCAGGTTGTGATAAACATCTGTGTGAGCTTCA[AT>A]TTCACCTTGGAGGTCCTACAGGACAGCAGGAAGAAGAATATGTGCAGAATTACCAAACAA-3'

ClinVar aggregate classification (germline): Pathogenic (1 of 4 stars; one submission).

Conditions:
Duchenne muscular dystrophy (DMD). Also called: MUSCULAR DYSTROPHY, PSEUDOHYPERTROPHIC PROGRESSIVE, DUCHENNE TYPE; Duchenne Muscular Dystrophy (DMD). Identifiers: Orphanet 98896, MedGen C0013264, MONDO:0010679, OMIM 310200.

Submission:

Labcorp Genetics (formerly Invitae), Labcorp
Classification: Pathogenic for Duchenne muscular dystrophy. Last evaluated: 2025-09-09. Review status: criteria provided, single submitter. Criteria: Invitae Variant Classification Sherloc (09022015). Collection method: clinical testing. Allele origin: germline.
Comment: This sequence change creates a premature translational stop signal (p.Ile2745Leufs*19) in the DMD gene. It is expected to result in an absent or disrupted protein product. Loss-of-function variants in DMD are known to be pathogenic (PMID: 16770791, 25007885). This variant is not present in population databases (gnomAD no frequency). This premature translational stop signal has been observed in individual(s) with DMD-related conditions (PMID: 25007885). For these reasons, this variant has been classified as Pathogenic.

Literature cited by the submitters: PubMed 16770791; PubMed 25007885.